The following is an entry in ClinVar:

ClinVar aggregate classification (germline): Uncertain significance (1 of 4 stars; one submission).

Allele frequency attached by ClinVar (database versions not stated): gnomAD exomes below 0.00001.
gnomAD v4.1: 2 of 1,613,970 alleles (0.00012%); highest among the groups gnomAD compares: Admixed American, 0.0033%; no homozygotes.

Submission:

Labcorp Genetics (formerly Invitae), Labcorp
Classification: Uncertain significance. Last evaluated: 2023-10-13. Review status: criteria provided, single submitter. Criteria: Invitae Variant Classification Sherloc (09022015). Collection method: clinical testing. Allele origin: germline.
Comment: This sequence change replaces serine, which is neutral and polar, with leucine, which is neutral and non-polar, at codon 1170 of the SUCO protein (p.Ser1170Leu). This variant is present in population databases (no rsID available, gnomAD 0.006%). This variant has not been reported in the literature in individuals affected with SUCO-related conditions. An algorithm developed to predict the effect of missense changes on protein structure and function (PolyPhen-2) suggests that this variant is likely to be disruptive. In summary, the available evidence is currently insufficient to determine the role of this variant in disease. Therefore, it has been classified as a Variant of Uncertain Significance.

NM_014283.5(SUCO):c.3509C>T (p.Ser1170Leu)

Gene: SUCO (SUN domain containing ossification factor; plus strand). Cytogenetic location: 1q24.3.
Variant type: single nucleotide variant.
Coding change: c.3509C>T on transcript NM_014283.5 (MANE Select); coding-DNA position 3509, C replaced by T.
Protein change: p.Ser1170Leu; replaces serine 1170 with leucine.
Molecular consequence: missense variant.
Genome position (GRCh38, 1-based): chr1:172,610,003, C>T. VCF-style: chr1-172610003-C-T. GRCh37 (hg19) VCF-style: chr1-172579143-C-T.
Other names: c.3962C>T, p.Ser1321Leu (NM_016227.4); c.2396C>T, p.Ser799Leu (NM_001282750.2); c.1820C>T, p.Ser607Leu (NM_001282751.2); short protein forms S1170L, S1321L, S607L, S799L.
Identifiers: ClinVar variation 3022326 (VCV003022326.3), dbSNP rs1307525856, ClinGen allele CA343753033.
Genomic context (GRCh38, chr1:172,610,003, plus strand): 5'-TGGGAGAAGTTTATCACTCTTCTTATAAAGGTCCTCCATCTGAAGGAAGCTCAGAAACTT[C>T]ATCACAGTCAGAAGAGTCCTATTTTTGTGGCATTTCAGCTTGCACAAGTCTGTGCAATGG-3'
Protein context (NP_055098.1, residues 1160-1180): GPPSEGSSET[Ser1170Leu]SQSEESYFCG